The following is an entry in ClinVar:

ClinVar aggregate classification (germline): Benign/Likely benign. Review status: criteria provided, multiple submitters, no conflicts (2 of 4 stars). 2 submissions from 2 submitters: Benign (1); Likely benign (1). Last evaluated 2026-04-08.

Conditions:
IKZF2-related condition.

gnomAD v4.1: 9,481 of 1,596,370 alleles (0.59%); highest among the groups gnomAD compares: Non-Finnish European, 0.74%; 43 homozygotes.

Submissions (4):

Women's Health and Genetics/Laboratory Corporation of America, LabCorp
Classification: Benign. Last evaluated: 2026-04-08. Review status: criteria provided, single submitter. Criteria: LabCorp Variant Classification Summary - May 2015. Collection method: clinical testing. Allele origin: germline.
Comment: Variant summary: IKZF2 c.497-10C>A alters a conserved nucleotide located at a position not widely known to affect splicing. Several computational tools predict a significant impact on normal splicing: Two predict the variant weakens a canonical 3' acceptor site. However, these predictions have yet to be confirmed by functional studies. The variant allele was found at a frequency of 0.0031 in 233864 control chromosomes, predominantly at a frequency of 0.0051 within the Non-Finnish European subpopulation in the gnomAD database, including 1 homozygote. The observed variant frequency within Non-Finnish European control individuals in the gnomAD database exceeds the estimated maximal expected allele frequency for disease-causing variants in IKZF2. To our knowledge, no occurrence of c.497-10C>A in individuals affected with IKZF2-related conditions and no experimental evidence demonstrating its impact on protein function have been reported. No submitters have cited clinical-significance assessments for this variant to ClinVar. Based on the evidence outlined above, the variant was classified as benign.

PreventionGenetics, part of Exact Sciences
Classification: Likely benign for IKZF2-related condition. Last evaluated: 2025-01-02. Review status: criteria provided, single submitter. Criteria: ACMG Guidelines, 2015. Collection method: clinical testing. Allele origin: germline.
Comment: This variant is classified as likely benign based on ACMG/AMP sequence variant interpretation guidelines (Richards et al. 2015 PMID: 25741868, with internal and published modifications).

Dr. Peter K. Rogan Lab, Western University
No classification provided (evidence only). Condition: Familial cancer of breast. Review status: no classification provided. Collection method: in vitro. Allele origin: not applicable. Functional consequence: retained intron. Not counted in ClinVar's aggregate classification.

Dr. Peter K. Rogan Lab, Western University
No classification provided (evidence only). Condition: Cervical cancer. Review status: no classification provided. Collection method: in vitro. Allele origin: not applicable. Functional consequence: retained intron. Not counted in ClinVar's aggregate classification.

NM_001387220.1(IKZF2):c.575-10C>A

Gene: IKZF2 (IKAROS family zinc finger 2; minus strand). Cytogenetic location: 2q34.
Variant type: single nucleotide variant.
Coding change: c.575-10C>A on transcript NM_001387220.1 (MANE Select); 10 bases into the intron before coding-DNA position 575, C replaced by A.
Molecular consequence: intron variant.
Genome position (GRCh38, 1-based): chr2:213,022,140, G>T on the plus strand (C>A on the coding strand, the complement: IKZF2 is on the minus strand). VCF-style: chr2-213022140-G-T. GRCh37 (hg19) VCF-style: chr2-213886864-G-T.
Other names: NC_000002.11:g.213886864G>T; c.494-10C>A (NM_001371277.1); c.575-10C>A (NM_001371274.1, NM_016260.3, NM_016260.2); c.497-10C>A (NM_001371276.1, NM_001079526.2, NM_001371275.1).
Identifiers: ClinVar variation 4508924 (VCV004508924.3).